The following is an entry in ClinVar:

ClinVar aggregate classification (germline): Uncertain significance. Review status: criteria provided, multiple submitters, no conflicts (2 of 4 stars). 3 submissions from 3 submitters: Uncertain significance (3). Last evaluated 2025-03-21.

Conditions:
Intellectual developmental disorder, autosomal recessive 37. Also called: Intellectual disability-hypotonia-spasticity-sleep disorder syndrome. Identifiers: Orphanet 356996, MedGen C3809672, MONDO:0014210, OMIM 615493.

Allele frequency attached by ClinVar (database versions not stated): gnomAD exomes 0.00027; 1000 Genomes Project 30x 0.00031; gnomAD 0.00031 and 0.00033; ESP Exome Variant Server 0.00031; ExAC 0.00024; TOPMed 0.00029; 1000 Genomes Project 0.00040.
gnomAD v4.1: 360 of 1,613,848 alleles (0.022%); highest among the groups gnomAD compares: Admixed American, 0.057%; no homozygotes.

Submissions (3):

Labcorp Genetics (formerly Invitae), Labcorp
Classification: Uncertain significance. Last evaluated: 2025-03-21. Review status: criteria provided, single submitter. Criteria: Invitae Variant Classification Sherloc (09022015). Collection method: clinical testing. Allele origin: germline.
Comment: This sequence change replaces alanine, which is neutral and non-polar, with threonine, which is neutral and polar, at codon 2023 of the ANK3 protein (p.Ala2023Thr). This variant is present in population databases (rs146929899, gnomAD 0.07%). This missense change has been observed in individual(s) with clinical features of Intellectual disability syndrome (PMID: 34356170). ClinVar contains an entry for this variant (Variation ID: 434167). Invitae Evidence Modeling of protein sequence and biophysical properties (such as structural, functional, and spatial information, amino acid conservation, physicochemical variation, residue mobility, and thermodynamic stability) indicates that this missense variant is not expected to disrupt ANK3 protein function with a negative predictive value of 80%. In summary, the available evidence is currently insufficient to determine the role of this variant in disease. Therefore, it has been classified as a Variant of Uncertain Significance.

Fulgent Genetics
Classification: Uncertain significance for Intellectual developmental disorder, autosomal recessive 37. Last evaluated: 2018-10-31. Review status: criteria provided, single submitter. Criteria: ACMG Guidelines, 2015. Collection method: clinical testing. Allele origin: unknown.

Genetic Services Laboratory, University of Chicago
Classification: Uncertain significance. Last evaluated: 2016-10-14. Review status: criteria provided, single submitter. Criteria: ACMG Guidelines, 2015. Collection method: clinical testing. Allele origin: germline. Affected: no.

Literature cited by the submitters: PubMed 34356170 (cited by Labcorp Genetics (formerly Invitae), Labcorp).

NM_020987.5(ANK3):c.6067G>A (p.Ala2023Thr)

Gene: ANK3 (ankyrin 3; minus strand). Cytogenetic location: 10q21.2.
Variant type: single nucleotide variant.
Coding change: c.6067G>A on transcript NM_020987.5 (MANE Select); coding-DNA position 6067, G replaced by A.
Protein change: p.Ala2023Thr; replaces alanine 2023 with threonine.
Molecular consequence: missense variant. On other transcripts: intron variant (4).
Genome position (GRCh38, 1-based): chr10:60,074,814, C>T on the plus strand (G>A on the coding strand, the complement: ANK3 is on the minus strand). VCF-style: chr10-60074814-C-T. GRCh37 (hg19) VCF-style: chr10-61834572-C-T.
Other names: c.4387+5723G>A (NM_001204403.2); c.4408+5723G>A (NM_001204404.2); c.4405+5723G>A (NM_001320874.2); c.1807+5723G>A (NM_001149.4); short protein forms A2023T.
Identifiers: ClinVar variation 434167 (VCV000434167.11), dbSNP rs146929899, ClinGen allele CA5511920.